The following is an entry in ClinVar:

ClinVar aggregate classification (germline): Uncertain significance (1 of 4 stars; one submission).

Conditions:
MED13-related disorder. Also called: MED13-related condition.

Submission:

PreventionGenetics, part of Exact Sciences
Classification: Uncertain significance for MED13-related condition. Last evaluated: 2023-01-27. Review status: criteria provided, single submitter. Criteria: ACMG Guidelines, 2015. Collection method: clinical testing. Allele origin: germline.
Comment: The MED13 c.4028A>G variant is predicted to result in the amino acid substitution p.Asp1343Gly. To our knowledge, this variant has not been reported in the literature or in a large population database, indicating this variant is rare. At this time, the clinical significance of this variant is uncertain due to the absence of conclusive functional and genetic evidence.

NM_005121.3(MED13):c.4028A>G (p.Asp1343Gly)

Gene: MED13 (mediator complex subunit 13; minus strand). Cytogenetic location: 17q23.2.
Variant type: single nucleotide variant.
Coding change: c.4028A>G on transcript NM_005121.3 (MANE Select); coding-DNA position 4028, A replaced by G.
Protein change: p.Asp1343Gly; replaces aspartic acid 1343 with glycine.
Molecular consequence: missense variant.
Genome position (GRCh38, 1-based): chr17:61,968,198, T>C on the plus strand (A>G on the coding strand, the complement: MED13 is on the minus strand). VCF-style: chr17-61968198-T-C. GRCh37 (hg19) VCF-style: chr17-60045559-T-C.
Other names: short protein forms D1343G.
Identifiers: ClinVar variation 2630128 (VCV002630128.1), dbSNP rs2509249806, ClinGen allele CA400498682.